The following is an entry in ClinVar:

NM_006031.6(PCNT):c.4684G>C (p.Glu1562Gln)

Gene: PCNT (pericentrin; plus strand). Cytogenetic location: 21q22.3.
Variant type: single nucleotide variant.
Coding change: c.4684G>C on transcript NM_006031.6 (MANE Select); coding-DNA position 4684, G replaced by C.
Protein change: p.Glu1562Gln; replaces glutamic acid 1562 with glutamine.
Molecular consequence: missense variant.
Genome position (GRCh38, 1-based): chr21:46,399,689, G>C. VCF-style: chr21-46399689-G-C. GRCh37 (hg19) VCF-style: chr21-47819603-G-C.
Other names: c.4330G>C, p.Glu1444Gln (NM_001315529.2); c.4684G>C (NM_006031.5); short protein forms E1562Q, E1444Q.
Identifiers: ClinVar variation 1492015 (VCV001492015.4), dbSNP rs981076771, ClinGen allele CA322036952.

ClinVar aggregate classification (germline): Uncertain significance. Review status: criteria provided, multiple submitters, no conflicts (2 of 4 stars). 2 submissions from 2 submitters: Uncertain significance (2). Last evaluated 2026-07-21.

Conditions:
PCNT-related disorder. Also called: PCNT-related condition.

Allele frequency attached by ClinVar (database versions not stated): gnomAD exomes below 0.00001 and 0.00001; TOPMed below 0.00001; gnomAD 0.00001.
gnomAD v4.1: 13 of 1,613,728 alleles (0.00081%); highest among the groups gnomAD compares: African/African-American, 0.0013%; no homozygotes.

Submissions (2):

PreventionGenetics, part of Exact Sciences
Classification: Uncertain significance for PCNT-related condition. Last evaluated: 2026-07-21. Review status: criteria provided, single submitter. Criteria: ACMG Guidelines, 2015. Collection method: clinical testing. Allele origin: germline.
Comment: The PCNT c.4684G>C variant is predicted to result in the amino acid substitution p.Glu1562Gln. To our knowledge, this variant has not been reported in the literature. This variant is reported in 0.0062% of alleles in individuals of African descent in gnomAD. At this time, the clinical significance of this variant is uncertain due to the absence of conclusive functional and genetic evidence.

Labcorp Genetics (formerly Invitae), Labcorp
Classification: Uncertain significance. Last evaluated: 2021-12-05. Review status: criteria provided, single submitter. Criteria: Invitae Variant Classification Sherloc (09022015). Collection method: clinical testing. Allele origin: germline.
Comment: This sequence change replaces glutamic acid, which is acidic and polar, with glutamine, which is neutral and polar, at codon 1562 of the PCNT protein (p.Glu1562Gln). This variant is present in population databases (no rsID available, gnomAD 0.007%). This variant has not been reported in the literature in individuals affected with PCNT-related conditions. Algorithms developed to predict the effect of missense changes on protein structure and function output the following: SIFT: "Tolerated"; PolyPhen-2: "Benign"; Align-GVGD: "Class C0". The glutamine amino acid residue is found in multiple mammalian species, which suggests that this missense change does not adversely affect protein function. In summary, the available evidence is currently insufficient to determine the role of this variant in disease. Therefore, it has been classified as a Variant of Uncertain Significance.